The following is an entry in ClinVar:

ClinVar aggregate classification (germline): Uncertain significance (0 of 4 stars; one submission).

Conditions:
CEP164-related disorder. Also called: CEP164-related condition.

gnomAD v4.1: 2 of 1,614,122 alleles (0.00012%); highest among the groups gnomAD compares: African/African-American, 0.0027%; no homozygotes.

Submission:

PreventionGenetics, part of Exact Sciences
Classification: Uncertain significance for CEP164-related condition. Last evaluated: 2024-07-15. Review status: no assertion criteria provided. Collection method: clinical testing. Allele origin: germline.
Comment: The CEP164 c.4236A>G variant is predicted to result in the amino acid substitution p.Ile1412Met. To our knowledge, this variant has not been reported in the literature or in a large population database, indicating this variant is rare. At this time, the clinical significance of this variant is uncertain due to the absence of conclusive functional and genetic evidence.

NM_014956.5(CEP164):c.4236A>G (p.Ile1412Met)

Gene: CEP164 (centrosomal protein 164; plus strand). Cytogenetic location: 11q23.3.
Variant type: single nucleotide variant.
Coding change: c.4236A>G on transcript NM_014956.5 (MANE Select); coding-DNA position 4236, A replaced by G.
Protein change: p.Ile1412Met; replaces isoleucine 1412 with methionine.
Molecular consequence: missense variant.
Genome position (GRCh38, 1-based): chr11:117,411,867, A>G. VCF-style: chr11-117411867-A-G. GRCh37 (hg19) VCF-style: chr11-117282583-A-G.
Other names: c.4221A>G, p.Ile1407Met (NM_001271933.2); short protein forms I1407M, I1412M.
Identifiers: ClinVar variation 3347328 (VCV003347328.1).